The following is an entry in ClinVar:

ClinVar aggregate classification (germline): Uncertain significance (1 of 4 stars; one submission).

Conditions:
Charcot-Marie-Tooth disease type 4. Also called: Charcot-Marie-Tooth disease, type IV; Charcot-Marie-Tooth, Type 4. Identifiers: Orphanet 64749, MedGen C4082197, MONDO:0018995.

Allele frequency attached by ClinVar (database versions not stated): TOPMed below 0.00001.

Submission:

Labcorp Genetics (formerly Invitae), Labcorp
Classification: Uncertain significance for Charcot-Marie-Tooth disease type 4. Last evaluated: 2020-02-14. Review status: criteria provided, single submitter. Criteria: Invitae Variant Classification Sherloc (09022015). Collection method: clinical testing. Allele origin: germline.
Comment: This variant is not present in population databases (ExAC no frequency). This sequence change replaces proline with leucine at codon 368 of the FGD4 protein (p.Pro368Leu). The proline residue is moderately conserved and there is a moderate physicochemical difference between proline and leucine. This variant has not been reported in the literature in individuals with FGD4-related conditions. Algorithms developed to predict the effect of missense changes on protein structure and function are either unavailable or do not agree on the potential impact of this missense change (SIFT: "Deleterious"; PolyPhen-2: "Benign"; Align-GVGD: "Class C0"). In summary, the available evidence is currently insufficient to determine the role of this variant in disease. Therefore, it has been classified as a Variant of Uncertain Significance.

NM_001370298.3(FGD4):c.1514C>T (p.Pro505Leu)

Gene: FGD4 (FYVE, RhoGEF and PH domain containing 4; plus strand). Cytogenetic location: 12p11.21.
Variant type: single nucleotide variant.
Coding change: c.1514C>T on transcript NM_001370298.3 (MANE Select); coding-DNA position 1514, C replaced by T.
Protein change: p.Pro505Leu; replaces proline 505 with leucine.
Molecular consequence: missense variant.
Genome position (GRCh38, 1-based): chr12:32,608,066, C>T. VCF-style: chr12-32608066-C-T. GRCh37 (hg19) VCF-style: chr12-32761000-C-T.
Other names: c.1358C>T, p.Pro453Leu (NM_001304481.2); c.359C>T, p.Pro120Leu (NM_001304483.2); c.71C>T, p.Pro24Leu (NM_001304484.2); c.824C>T, p.Pro275Leu (NM_001330373.2, NM_001330374.2, NM_001384130.1); c.551C>T, p.Pro184Leu (NM_001370297.1); c.1514C>T, p.Pro505Leu (NM_001384126.1); c.1103C>T, p.Pro368Leu (NM_001384127.1, NM_001384128.1, NM_001385118.1 and 1 more transcripts); short protein forms P184L, P24L, P275L, P453L, P120L, P368L, P505L.
Identifiers: ClinVar variation 959989 (VCV000959989.9), dbSNP rs1948899992, ClinGen allele CA384360578.
Genomic context (GRCh38, chr12:32,608,066, plus strand): 5'-CTGTTCAGCGGATTCCCCGGTATGAGATGCTCCTTAAGGACTATCTAAGGAAATTGCCTC[C>T]TGATTCCCTGGACTGGAATGATGCTAAAAGTAAATGCTTTTTTTTTGTTTTCTCCCTATT-3'
Protein context (NP_001357227.2, residues 495-515): LLKDYLRKLP[Pro505Leu]DSLDWNDAKK